The following is an entry in ClinVar:

NM_139057.4(ADAMTS17):c.3020A>T (p.His1007Leu)

Gene: ADAMTS17 (ADAM metallopeptidase with thrombospondin type 1 motif 17; minus strand). Cytogenetic location: 15q26.3.
Variant type: single nucleotide variant.
Coding change: c.3020A>T on transcript NM_139057.4 (MANE Select); coding-DNA position 3020, A replaced by T.
Protein change: p.His1007Leu; replaces histidine 1007 with leucine.
Molecular consequence: missense variant.
Genome position (GRCh38, 1-based): chr15:99,976,152, T>A on the plus strand (A>T on the coding strand, the complement: ADAMTS17 is on the minus strand). VCF-style: chr15-99976152-T-A. GRCh37 (hg19) VCF-style: chr15-100516357-T-A.
Other names: short protein forms H1007L.
Identifiers: ClinVar variation 884548 (VCV000884548.6), dbSNP rs1375656495, ClinGen allele CA393692740.

ClinVar aggregate classification (germline): Uncertain significance. Review status: criteria provided, multiple submitters, no conflicts (2 of 4 stars). 2 submissions from 2 submitters: Uncertain significance (2). Last evaluated 2022-05-30.

Conditions:
Weill-Marchesani 4 syndrome, recessive. Also called: Weill-Marchesani syndrome 4. Identifiers: Orphanet 363992, MedGen C2750787, MONDO:0013176, OMIM 613195.

Allele frequency attached by ClinVar (database versions not stated): gnomAD 0.00001; TOPMed 0.00001.
gnomAD v4.1: 15 of 1,550,646 alleles (0.00097%); highest among the groups gnomAD compares: Non-Finnish European, 0.0013%; no homozygotes.

Submissions (2):

Labcorp Genetics (formerly Invitae), Labcorp
Classification: Uncertain significance. Last evaluated: 2022-05-30. Review status: criteria provided, single submitter. Criteria: Invitae Variant Classification Sherloc (09022015). Collection method: clinical testing. Allele origin: germline.
Comment: In summary, the available evidence is currently insufficient to determine the role of this variant in disease. Therefore, it has been classified as a Variant of Uncertain Significance. Algorithms developed to predict the effect of missense changes on protein structure and function are either unavailable or do not agree on the potential impact of this missense change (SIFT: "Not Available"; PolyPhen-2: "Probably Damaging"; Align-GVGD: "Not Available"). ClinVar contains an entry for this variant (Variation ID: 884548). This variant has not been reported in the literature in individuals affected with ADAMTS17-related conditions. This variant is not present in population databases (gnomAD no frequency). This sequence change replaces histidine, which is basic and polar, with leucine, which is neutral and non-polar, at codon 1007 of the ADAMTS17 protein (p.His1007Leu).

Illumina Laboratory Services, Illumina
Classification: Uncertain significance for Weill-Marchesani 4 syndrome, recessive. Last evaluated: 2018-01-13. Review status: criteria provided, single submitter. Criteria: ICSL Variant Classification Criteria 13 December 2019. Collection method: clinical testing. Allele origin: germline.